The following is an entry in ClinVar:

NC_000001.10:g.(?_10003560)_(10042759_?)dup

Gene: NMNAT1 (nicotinamide nucleotide adenylyltransferase 1; plus strand). Cytogenetic location: 1p36.22.
Variant type: Duplication.
Identifiers: ClinVar variation 1448556 (VCV001448556.4).

ClinVar aggregate classification (germline): Uncertain significance (1 of 4 stars; one submission).

Conditions:
Leber congenital amaurosis 9 (LCA9). Also called: LCA9 Leber Congenital Amaurosis; LCA 9; Amaurosis congenita of Leber, type 9. Identifiers: Orphanet 65, MedGen C1837873, MONDO:0012056, OMIM 608553.

Submission:

Labcorp Genetics (formerly Invitae), Labcorp
Classification: Uncertain significance for Leber congenital amaurosis 9. Last evaluated: 2022-03-12. Review status: criteria provided, single submitter. Criteria: Invitae Variant Classification Sherloc (09022015). Collection method: clinical testing. Allele origin: germline.
Comment: A copy number gain of the genomic region encompassing the full coding sequence of the NMNAT1 gene has been identified. The boundaries of this event are unknown as they extend beyond the assayed region for this gene and therefore may encompass additional genes. As the precise location of this event is unknown, it may be in tandem or it may be located elsewhere in the genome. This variant has not been reported in the literature in individuals affected with NMNAT1-related conditions. In summary, the available evidence is currently insufficient to determine the role of this variant in disease. Therefore, it has been classified as a Variant of Uncertain Significance.